The following is an entry in ClinVar:

ClinVar aggregate classification (germline): Conflicting classifications of pathogenicity. Review status: criteria provided, conflicting classifications (1 of 4 stars). 4 submissions from 4 submitters: Uncertain significance (2); Likely benign (2). Last evaluated 2026-01-11.

Conditions:
Osteopetrosis. Identifiers: Orphanet 2781, MedGen C0029454, MONDO:0017198, HP:0011002.

Allele frequency attached by ClinVar (database versions not stated): ESP Exome Variant Server 0.00008; TOPMed 0.00021; gnomAD 0.00025; ExAC 0.00042.
gnomAD v4.1: 372 of 1,613,300 alleles (0.023%); highest among the groups gnomAD compares: Non-Finnish European, 0.028%; 1 homozygote.

Submissions (4):

Labcorp Genetics (formerly Invitae), Labcorp
Classification: Likely benign. Last evaluated: 2026-01-11. Review status: criteria provided, single submitter. Criteria: Invitae Variant Classification Sherloc (09022015). Collection method: clinical testing. Allele origin: germline.

Blueprint Genetics
Classification: Likely benign. Last evaluated: 2024-10-23. Review status: criteria provided, single submitter. Criteria: ACMG Guidelines, 2015. Collection method: clinical testing. Allele origin: germline.

GeneDx
Classification: Uncertain significance. Last evaluated: 2024-10-11. Review status: criteria provided, single submitter. Criteria: GeneDx Variant Classification Process June 2021. Collection method: clinical testing. Allele origin: germline. Affected: yes.
Comment: Reported in the heterozygous state in a patient with cardiac conduction disorder and idiopathic ventricular fibrillation; however, this patient also harbors variants in several other genes (PMID: 24972929); In silico analysis indicates that this missense variant does not alter protein structure/function; This variant is associated with the following publications: (PMID: 24972929)

Illumina Laboratory Services, Illumina
Classification: Uncertain significance for Osteopetrosis. Last evaluated: 2018-01-13. Review status: criteria provided, single submitter. Criteria: ICSL Variant Classification Criteria 13 December 2019. Collection method: clinical testing. Allele origin: germline.

NM_001287.6(CLCN7):c.212C>T (p.Pro71Leu)

Gene: CLCN7 (Cl-/H+ antiporter 7; minus strand). Cytogenetic location: 16p13.3.
Variant type: single nucleotide variant.
Coding change: c.212C>T on transcript NM_001287.6 (MANE Select); coding-DNA position 212, C replaced by T.
Protein change: p.Pro71Leu; replaces proline 71 with leucine.
Molecular consequence: missense variant. On other transcripts: intron variant (1).
Genome position (GRCh38, 1-based): chr16:1,465,268, G>A on the plus strand (C>T on the coding strand, the complement: CLCN7 is on the minus strand). VCF-style: chr16-1465268-G-A. GRCh37 (hg19) VCF-style: chr16-1515269-G-A.
Other names: c.142-3594C>T (NM_001114331.3); short protein forms P71L.
Identifiers: ClinVar variation 749129 (VCV000749129.14), dbSNP rs145267254, ClinGen allele CA7810903.